The following is an entry in ClinVar:

ClinVar aggregate classification (germline): Uncertain significance. Review status: criteria provided, multiple submitters, no conflicts (2 of 4 stars). 2 submissions from 2 submitters: Uncertain significance (2). Last evaluated 2025-05-05.

Conditions:
Myofibrillar myopathy 5. Also called: Filaminopathy (type); FILAMINOPATHY, AUTOSOMAL DOMINANT. Identifiers: Orphanet 171445, MedGen C1836050, MONDO:0012289, OMIM 609524.
Hypertrophic cardiomyopathy 26. Also called: Cardiomyopathy, familial hypertrophic, 26. Identifiers: Orphanet 75249, MedGen C4310749, MONDO:0014883, OMIM 617047.
Distal myopathy with posterior leg and anterior hand involvement. Also called: WILLIAMS DISTAL MYOPATHY. Identifiers: Orphanet 63273, MedGen C3279722, MONDO:0013550, OMIM 614065.
Cardiovascular phenotype. Identifiers: MedGen CN230736.

Allele frequency attached by ClinVar (database versions not stated): gnomAD exomes below 0.00001 and 0.00002.
gnomAD v4.1: 25 of 1,613,136 alleles (0.0015%); highest among the groups gnomAD compares: Non-Finnish European, 0.0019%; no homozygotes.

Submissions (2):

Labcorp Genetics (formerly Invitae), Labcorp
Classification: Uncertain significance for Distal myopathy with posterior leg and anterior hand involvement; Myofibrillar myopathy 5; Hypertrophic cardiomyopathy 26. Last evaluated: 2025-05-05. Review status: criteria provided, single submitter. Criteria: Invitae Variant Classification Sherloc (09022015). Collection method: clinical testing. Allele origin: germline.
Comment: This sequence change replaces arginine, which is basic and polar, with glutamine, which is neutral and polar, at codon 1494 of the FLNC protein (p.Arg1494Gln). This variant is present in population databases (no rsID available, gnomAD 0.0009%). This variant has not been reported in the literature in individuals affected with FLNC-related conditions. ClinVar contains an entry for this variant (Variation ID: 657016). Invitae Evidence Modeling of protein sequence and biophysical properties (such as structural, functional, and spatial information, amino acid conservation, physicochemical variation, residue mobility, and thermodynamic stability) has been performed for this missense variant. However, the output from this modeling did not meet the statistical confidence thresholds required to predict the impact of this variant on FLNC protein function. In summary, the available evidence is currently insufficient to determine the role of this variant in disease. Therefore, it has been classified as a Variant of Uncertain Significance.

Ambry Genetics
Classification: Uncertain significance for Cardiovascular phenotype. Last evaluated: 2024-09-08. Review status: criteria provided, single submitter. Criteria: Ambry Variant Classification Scheme 2023. Collection method: clinical testing. Allele origin: germline.
Comment: The p.R1494Q variant (also known as c.4481G>A), located in coding exon 26 of the FLNC gene, results from a G to A substitution at nucleotide position 4481. The arginine at codon 1494 is replaced by glutamine, an amino acid with highly similar properties. This amino acid position is conserved. In addition, this alteration is predicted to be tolerated by in silico analysis. Based on the available evidence, the clinical significance of this variant remains unclear.

NM_001458.5(FLNC):c.4481G>A (p.Arg1494Gln)

Gene: FLNC (filamin C; plus strand). Cytogenetic location: 7q32.1.
Variant type: single nucleotide variant.
Coding change: c.4481G>A on transcript NM_001458.5 (MANE Select); coding-DNA position 4481, G replaced by A.
Protein change: p.Arg1494Gln; replaces arginine 1494 with glutamine.
Molecular consequence: missense variant.
Genome position (GRCh38, 1-based): chr7:128,847,969, G>A. VCF-style: chr7-128847969-G-A. GRCh37 (hg19) VCF-style: chr7-128488023-G-A.
Other names: c.4481G>A, p.Arg1494Gln (NM_001127487.2); short protein forms R1494Q.
Identifiers: ClinVar variation 657016 (VCV000657016.10), dbSNP rs1241325618, ClinGen allele CA369201854.